The following is an entry in ClinVar:

NM_001690.4(ATP6V1A):c.339C>T (p.Thr113=)

Gene: ATP6V1A (ATPase H+ transporting V1 subunit A; plus strand). Cytogenetic location: 3q13.31.
Variant type: single nucleotide variant.
Coding change: c.339C>T on transcript NM_001690.4 (MANE Select); coding-DNA position 339, C replaced by T.
Protein change: p.Thr113=; no amino-acid change (threonine 113 retained).
Molecular consequence: synonymous variant.
Genome position (GRCh38, 1-based): chr3:113,784,351, C>T. VCF-style: chr3-113784351-C-T. GRCh37 (hg19) VCF-style: chr3-113503198-C-T.
Identifiers: ClinVar variation 2044818 (VCV002044818.22), dbSNP rs753243524, ClinGen allele CA2547811.

ClinVar aggregate classification (germline): Benign/Likely benign. Review status: criteria provided, multiple submitters, no conflicts (2 of 4 stars). 2 submissions from 2 submitters: Benign (1); Likely benign (1). Last evaluated 2025-08-06.

Allele frequency attached by ClinVar (database versions not stated): gnomAD exomes 0.00013; gnomAD 0.00015; ExAC 0.00021.
gnomAD v4.1: 213 of 1,614,072 alleles (0.013%); highest among the groups gnomAD compares: East Asian, 0.41%; 1 homozygote.

Submissions (2):

Labcorp Genetics (formerly Invitae), Labcorp
Classification: Benign. Last evaluated: 2025-08-06. Review status: criteria provided, single submitter. Criteria: Invitae Variant Classification Sherloc (09022015). Collection method: clinical testing. Allele origin: germline.

CeGaT Center for Human Genetics Tuebingen
Classification: Likely benign. Last evaluated: 2024-07-01. Review status: criteria provided, single submitter. Criteria: CeGaT Center For Human Genetics Tuebingen Variant Classification Criteria Version 2. Collection method: clinical testing. Allele origin: germline. Affected: yes. Observed: 1 variant allele.
Comment: ATP6V1A: BP4, BP7